The following is an entry in ClinVar:

NM_003072.5(SMARCA4):c.356-14A>G

Gene: SMARCA4 (SWI/SNF related BAF chromatin remodeling complex subunit ATPase 4; plus strand). Cytogenetic location: 19p13.2.
Variant type: single nucleotide variant.
Coding change: c.356-14A>G on transcript NM_003072.5 (MANE Select); 14 bases into the intron before coding-DNA position 356, A replaced by G.
Molecular consequence: intron variant.
Genome position (GRCh38, 1-based): chr19:10,986,175, A>G. VCF-style: chr19-10986175-A-G. GRCh37 (hg19) VCF-style: chr19-11096851-A-G.
Other names: c.356-14A>G (NM_001128844.3, NM_001128849.3, NM_001128847.4 and 6 more transcripts).
Identifiers: ClinVar variation 328021 (VCV000328021.20), dbSNP rs111447132, ClinGen allele CA9203486.
Genomic context (GRCh38, chr19:10,986,175, plus strand): 5'-GTGTAGGGGGAAGAGGCTGTAAAAATCACAGACATATGCTGCCGAGTGACCAGTGGGCTG[A>G]CCTTTCTCTGCAGGTTACCCCTCGCCCCTGGGTGGCTCTGAGCATGCCTCTAGTCCAGTT-3'

ClinVar aggregate classification (germline): Benign. Review status: criteria provided, multiple submitters, no conflicts (2 of 4 stars). 10 submissions from 10 submitters: Benign (8). 2 of the submissions do not count toward it. Last evaluated 2026-07-08.

Conditions:
Coffin-Siris syndrome. Identifiers: Orphanet 1465, MedGen C0265338, MONDO:0015452.
Intellectual disability, autosomal dominant 16 (CSS4). Also called: COFFIN-SIRIS SYNDROME 4. Identifiers: Orphanet 1465, MedGen C3553249, MONDO:0013821, OMIM 614609.
Rhabdoid tumor predisposition syndrome 2 (RTPS2). Identifiers: Orphanet 231108, Orphanet 69077, MedGen C2750074, MONDO:0013224, OMIM 613325.
Hereditary nonpolyposis colon cancer (HNPCC). Also called: Hereditary nonpolyposis colorectal cancer; Familial nonpolyposis colon cancer; Hereditary Nonpolyposis Colorectal Cancer Syndrome. Identifiers: Orphanet 443909, MedGen C1333990, MONDO:0018630. Disease mechanism: loss of function.
Hereditary cancer-predisposing syndrome. Also called: Tumor predisposition; Neoplastic Syndromes, Hereditary; Hereditary neoplastic syndrome; Hereditary Cancer Syndrome. Identifiers: Orphanet 140162, MedGen C0027672, MeSH D009386, MONDO:0015356.

Allele frequency attached by ClinVar (database versions not stated): 1000 Genomes Project 0.02316; ExAC 0.02914; gnomAD exomes 0.03877 and 0.02796; 1000 Genomes Project 30x 0.02342; gnomAD 0.03865 and 0.03728; TOPMed 0.03866; ESP Exome Variant Server 0.04306.
gnomAD v4.1: 62,143 of 1,607,904 alleles (3.9%); highest among the groups gnomAD compares: African/African-American, 4.9%; 1,486 homozygotes.

Submissions (10):

Myriad Genetics, Inc.
Classification: Benign for Rhabdoid tumor predisposition syndrome 2. Last evaluated: 2026-07-08. Review status: criteria provided, single submitter. Criteria: Myriad Autosomal Dominant, Autosomal Recessive and X-Linked Classification Criteria (2023). Collection method: clinical testing. Allele origin: unknown.
Comment: This variant is considered benign. This variant is intronic and is not expected to impact mRNA splicing. This variant has been observed at a population frequency that is significantly greater than expected given the associated disease prevalence and penetrance.

Labcorp Genetics (formerly Invitae), Labcorp
Classification: Benign for Rhabdoid tumor predisposition syndrome 2. Last evaluated: 2026-02-04. Review status: criteria provided, single submitter. Criteria: Invitae Variant Classification Sherloc (09022015). Collection method: clinical testing. Allele origin: germline.

Department of Pathology and Laboratory Medicine, Sinai Health System
Classification: Benign for hereditary nonpolyposis colon cancer. Last evaluated: 2022-06-21. Review status: criteria provided, single submitter. Criteria: ACMG Guidelines, 2015. Collection method: clinical testing. Allele origin: germline. Affected: yes.

Genome-Nilou Lab
Classification: Benign for Intellectual disability, autosomal dominant 16. Last evaluated: 2021-07-15. Review status: criteria provided, single submitter. Criteria: ACMG Guidelines, 2015. Collection method: clinical testing. Allele origin: germline. Affected: no.

Illumina Laboratory Services, Illumina
Classification: Benign for Coffin-Siris syndrome. Last evaluated: 2018-01-12. Review status: criteria provided, single submitter. Criteria: ICSL Variant Classification Criteria 13 December 2019. Collection method: clinical testing. Allele origin: germline.
Comment: This variant was observed in the ICSL laboratory as part of a predisposition screen in an ostensibly healthy population. It had not been previously curated by ICSL or reported in the Human Gene Mutation Database (HGMD: prior to June 1st, 2018), and was therefore a candidate for classification through an automated scoring system. Utilizing variant allele frequency, disease prevalence and penetrance estimates, and inheritance mode, an automated score was calculated to assess if this variant is too frequent to cause the disease. Based on the score and internal cut-off values, a variant classified as benign is not then subjected to further curation. The score for this variant resulted in a classification of benign for this disease.

GeneDx
Classification: Benign. Last evaluated: 2016-06-29. Review status: criteria provided, single submitter. Criteria: GeneDx Variant Classification (06012015). Collection method: clinical testing. Allele origin: germline. Affected: yes.
Comment: This variant is considered likely benign or benign based on one or more of the following criteria: it is a conservative change, it occurs at a poorly conserved position in the protein, it is predicted to be benign by multiple in silico algorithms, and/or has population frequency not consistent with disease.

Ambry Genetics
Classification: Benign for Hereditary cancer-predisposing syndrome. Last evaluated: 2015-05-20. Review status: criteria provided, single submitter. Criteria: Ambry Variant Classification Scheme 2023. Collection method: clinical testing. Allele origin: germline.

Breakthrough Genomics
Classification: Benign. Review status: criteria provided, single submitter. Criteria: ACMG Guidelines, 2015. Collection method: not provided. Allele origin: germline. Inheritance: Autosomal dominant inheritance. Affected: yes.

Genome Diagnostics Laboratory, Amsterdam University Medical Center
Classification: Benign. Review status: no assertion criteria provided. Collection method: clinical testing. Allele origin: germline. Affected: yes. Study: VKGL Data-share Consensus. Not counted in ClinVar's aggregate classification.

Laboratory of Diagnostic Genome Analysis, Leiden University Medical Center (LUMC)
Classification: Benign. Review status: no assertion criteria provided. Collection method: clinical testing. Allele origin: germline. Affected: yes. Study: VKGL Data-share Consensus. Not counted in ClinVar's aggregate classification.